The following is an entry in ClinVar:

ClinVar aggregate classification (germline): Likely benign. Review status: criteria provided, multiple submitters, no conflicts (2 of 4 stars). 3 submissions from 3 submitters: Likely benign (2). 1 of the submissions does not count toward it. Last evaluated 2025-12-17.

Conditions:
GLIS3-related disorder. Also called: GLIS3-related condition.

Allele frequency attached by ClinVar (database versions not stated): gnomAD exomes 0.00005 and 0.00009; gnomAD 0.00007 and 0.00008; TOPMed 0.00010; ExAC 0.00011; ESP Exome Variant Server 0.00023.
gnomAD v4.1: 86 of 1,605,806 alleles (0.0054%); highest among the groups gnomAD compares: Non-Finnish European, 0.0066%; no homozygotes.

Submissions (3):

Labcorp Genetics (formerly Invitae), Labcorp
Classification: Likely benign. Last evaluated: 2025-12-17. Review status: criteria provided, single submitter. Criteria: Invitae Variant Classification Sherloc (09022015). Collection method: clinical testing. Allele origin: germline.

CeGaT Center for Human Genetics Tuebingen
Classification: Likely benign. Last evaluated: 2022-11-01. Review status: criteria provided, single submitter. Criteria: CeGaT Center For Human Genetics Tuebingen Variant Classification Criteria Version 2. Collection method: clinical testing. Allele origin: germline. Affected: yes. Observed: 1 variant allele.
Comment: GLIS3: BP4, BP7

PreventionGenetics, part of Exact Sciences
Classification: Likely benign for GLIS3-related condition. Last evaluated: 2019-07-16. Review status: no assertion criteria provided. Collection method: clinical testing. Allele origin: germline. Not counted in ClinVar's aggregate classification.
Comment: This variant is classified as likely benign based on ACMG/AMP sequence variant interpretation guidelines (Richards et al. 2015 PMID: 25741868, with internal and published modifications).

NM_001042413.2(GLIS3):c.645G>A (p.Thr215=)

Gene: GLIS3 (GLIS family zinc finger 3; minus strand). Cytogenetic location: 9p24.2.
Variant type: single nucleotide variant.
Coding change: c.645G>A on transcript NM_001042413.2 (MANE Select); coding-DNA position 645, G replaced by A.
Protein change: p.Thr215=; no amino-acid change (threonine 215 retained).
Molecular consequence: synonymous variant.
Genome position (GRCh38, 1-based): chr9:4,118,833, C>T on the plus strand (G>A on the coding strand, the complement: GLIS3 is on the minus strand). VCF-style: chr9-4118833-C-T. GRCh37 (hg19) VCF-style: chr9-4118833-C-T.
Other names: c.180G>A, p.Thr60= (NM_152629.4); c.645G>A (NM_001042413.1).
Identifiers: ClinVar variation 748388 (VCV000748388.32), dbSNP rs142323958, ClinGen allele CA4968465.